The following is an entry in ClinVar:

NM_133510.4(RAD51B):c.1022G>T (p.Gly341Val)

Gene: RAD51B (RAD51 paralog B; plus strand). Cytogenetic location: 14q24.1.
Variant type: single nucleotide variant.
Coding change: c.1022G>T on transcript NM_133510.4 (MANE Select); coding-DNA position 1022, G replaced by T.
Protein change: p.Gly341Val; replaces glycine 341 with valine.
Molecular consequence: missense variant.
Genome position (GRCh38, 1-based): chr14:68,468,236, G>T. VCF-style: chr14-68468236-G-T. GRCh37 (hg19) VCF-style: chr14-68934953-G-T.
Other names: c.1022G>T, p.Gly341Val (NM_001321809.2, NM_001321810.2, NM_001321812.1 and 6 more transcripts); c.908G>T, p.Gly303Val (NM_001321815.1); c.665G>T, p.Gly222Val (NM_001321817.2); short protein forms G303V, G222V, G341V.
Identifiers: ClinVar variation 4575300 (VCV004575300.1).

ClinVar aggregate classification (germline): Uncertain significance (1 of 4 stars; one submission).

gnomAD v4.1: 1 of 1,613,638 alleles (0.000062%); highest among the groups gnomAD compares: African/African-American, 0.0013%; no homozygotes.

Submission:

Ambry Genetics
Classification: Uncertain significance. Last evaluated: 2025-10-25. Review status: criteria provided, single submitter. Criteria: Ambry Variant Classification Scheme 2023. Collection method: clinical testing. Allele origin: germline.
Comment: The p.G341V variant (also known as c.1022G>T), located in coding exon 9 of the RAD51B gene, results from a G to T substitution at nucleotide position 1022. The glycine at codon 341 is replaced by valine, an amino acid with dissimilar properties. This amino acid position is conserved. In addition, this alteration is predicted to be deleterious by in silico analysis. Based on the available evidence, the clinical significance of this variant remains unclear.